The following is an entry in ClinVar:

ClinVar aggregate classification (germline): Uncertain significance (1 of 4 stars; one submission).

Conditions:
Ataxia-telangiectasia syndrome (AT). Also called: Ataxia-telangiectasia, complementation group D; AT, COMPLEMENTATION GROUP C; ATAXIA-TELANGIECTASIA, COMPLEMENTATION GROUP A; ATAXIA-TELANGIECTASIA, FRESNO VARIANT; Ataxia-telangiectasia; LOUIS-BAR SYNDROME. Identifiers: Orphanet 100, MedGen C0004135, MONDO:0008840, OMIM 208900.

Submission:

Labcorp Genetics (formerly Invitae), Labcorp
Classification: Uncertain significance for Ataxia-telangiectasia syndrome. Last evaluated: 2018-11-23. Review status: criteria provided, single submitter. Criteria: Invitae Variant Classification Sherloc (09022015). Collection method: clinical testing. Allele origin: germline.
Comment: This variant is not present in population databases (ExAC no frequency). In summary, the available evidence is currently insufficient to determine the role of this variant in disease. Therefore, it has been classified as a Variant of Uncertain Significance. Algorithms developed to predict the effect of missense changes on protein structure and function are either unavailable or do not agree on the potential impact of this missense change (SIFT: "Deleterious"; PolyPhen-2: "Benign"; Align-GVGD: "Class C0"). This variant has not been reported in the literature in individuals with ATM-related disease. This sequence change replaces aspartic acid with asparagine at codon 1935 of the ATM protein (p.Asp1935Asn). The aspartic acid residue is moderately conserved and there is a small physicochemical difference between aspartic acid and asparagine.

NM_000051.4(ATM):c.5803G>A (p.Asp1935Asn)

Genes: ATM (ATM serine/threonine kinase; plus strand), C11orf65 (chromosome 11 open reading frame 65; minus strand). Cytogenetic location: 11q22.3.
Variant type: single nucleotide variant.
Coding change: c.5803G>A on transcript NM_000051.4 (MANE Select); coding-DNA position 5803, G replaced by A.
Protein change: p.Asp1935Asn; replaces aspartic acid 1935 with asparagine.
Molecular consequence: missense variant. On other transcripts: intron variant (2).
Genome position (GRCh38, 1-based): chr11:108,310,200, G>A. VCF-style: chr11-108310200-G-A. GRCh37 (hg19) VCF-style: chr11-108180927-G-A.
Other names: c.5803G>A, p.Asp1935Asn (NM_001351834.2); c.641-1129C>T (NM_001330368.2); c.*39-1129C>T (NM_001351110.2); short protein forms D1935N.
Identifiers: ClinVar variation 648081 (VCV000648081.9), dbSNP rs1299051422, ClinGen allele CA382548357.